The following is an entry in ClinVar:

NM_001100913.3(PACS2):c.2573G>A (p.Arg858Lys)

Gene: PACS2 (phosphofurin acidic cluster sorting protein 2; plus strand). Cytogenetic location: 14q32.33.
Variant type: single nucleotide variant.
Coding change: c.2573G>A on transcript NM_001100913.3 (MANE Select); coding-DNA position 2573, G replaced by A.
Protein change: p.Arg858Lys; replaces arginine 858 with lysine.
Molecular consequence: missense variant.
Genome position (GRCh38, 1-based): chr14:105,393,312, G>A. VCF-style: chr14-105393312-G-A. GRCh37 (hg19) VCF-style: chr14-105859649-G-A.
Other names: c.2303G>A, p.Arg768Lys (NM_001243127.3); c.2528G>A, p.Arg843Lys (NM_015197.4); short protein forms R858K, R768K, R843K.
Identifiers: ClinVar variation 3692858 (VCV003692858.2).

ClinVar aggregate classification (germline): Uncertain significance (1 of 4 stars; one submission).

Submission:

Labcorp Genetics (formerly Invitae), Labcorp
Classification: Uncertain significance. Last evaluated: 2024-12-24. Review status: criteria provided, single submitter. Criteria: Invitae Variant Classification Sherloc (09022015). Collection method: clinical testing. Allele origin: germline.
Comment: This sequence change replaces arginine, which is basic and polar, with lysine, which is basic and polar, at codon 858 of the PACS2 protein (p.Arg858Lys). This variant is not present in population databases (gnomAD no frequency). This variant has not been reported in the literature in individuals affected with PACS2-related conditions. An algorithm developed to predict the effect of missense changes on protein structure and function outputs the following: PolyPhen-2: "Benign". The lysine amino acid residue is found in multiple mammalian species, which suggests that this missense change does not adversely affect protein function. In summary, the available evidence is currently insufficient to determine the role of this variant in disease. Therefore, it has been classified as a Variant of Uncertain Significance.